The following is an entry in ClinVar:

NM_001605.3(AARS1):c.827C>T (p.Ala276Val)

Gene: AARS1 (alanyl-tRNA synthetase 1; minus strand). Cytogenetic location: 16q22.1.
Variant type: single nucleotide variant.
Coding change: c.827C>T on transcript NM_001605.3 (MANE Select); coding-DNA position 827, C replaced by T.
Protein change: p.Ala276Val; replaces alanine 276 with valine.
Molecular consequence: missense variant.
Genome position (GRCh38, 1-based): chr16:70,269,753, G>A on the plus strand (C>T on the coding strand, the complement: AARS1 is on the minus strand). VCF-style: chr16-70269753-G-A. GRCh37 (hg19) VCF-style: chr16-70303656-G-A.
Other names: short protein forms A276V.
Identifiers: ClinVar variation 3627921 (VCV003627921.2).

ClinVar aggregate classification (germline): Uncertain significance (1 of 4 stars; one submission).

Conditions:
Charcot-Marie-Tooth disease type 2. Also called: Charcot-Marie-Tooth type 2. Identifiers: Orphanet 64746, MedGen C0270914, MONDO:0018993.

Submission:

Labcorp Genetics (formerly Invitae), Labcorp
Classification: Uncertain significance for Charcot-Marie-Tooth disease type 2. Last evaluated: 2024-12-26. Review status: criteria provided, single submitter. Criteria: Invitae Variant Classification Sherloc (09022015). Collection method: clinical testing. Allele origin: germline.
Comment: This sequence change replaces alanine, which is neutral and non-polar, with valine, which is neutral and non-polar, at codon 276 of the AARS protein (p.Ala276Val). This variant is not present in population databases (gnomAD no frequency). This variant has not been reported in the literature in individuals affected with AARS-related conditions. Invitae Evidence Modeling of protein sequence and biophysical properties (such as structural, functional, and spatial information, amino acid conservation, physicochemical variation, residue mobility, and thermodynamic stability) indicates that this missense variant is not expected to disrupt AARS protein function with a negative predictive value of 95%. In summary, the available evidence is currently insufficient to determine the role of this variant in disease. Therefore, it has been classified as a Variant of Uncertain Significance.